The following is an entry in ClinVar:

ClinVar aggregate classification (germline): Uncertain significance. Review status: criteria provided, multiple submitters, no conflicts (2 of 4 stars). 2 submissions from 2 submitters: Uncertain significance (2). Last evaluated 2026-01-26.

Conditions:
Treacher Collins syndrome 1 (TCS1). Also called: TCOF1-Related Treacher Collins Syndrome. Identifiers: Orphanet 861, MedGen CN315775, MONDO:0007944, OMIM 154500.

Allele frequency attached by ClinVar (database versions not stated): gnomAD 0.00001; gnomAD exomes 0.00001 and 0.00003; TOPMed 0.00002; ExAC 0.00003.
gnomAD v4.1: 9 of 1,614,006 alleles (0.00056%); highest among the groups gnomAD compares: Admixed American, 0.015%; no homozygotes.

Submissions (2):

Labcorp Genetics (formerly Invitae), Labcorp
Classification: Uncertain significance for Treacher Collins syndrome 1. Last evaluated: 2026-01-26. Review status: criteria provided, single submitter. Criteria: Invitae Variant Classification Sherloc (09022015). Collection method: clinical testing. Allele origin: germline.
Comment: This sequence change falls in intron 4 of the TCOF1 gene. It does not directly change the encoded amino acid sequence of the TCOF1 protein. It affects a nucleotide within the consensus splice site. This variant is present in population databases (rs779373224, gnomAD 0.02%). This variant has not been reported in the literature in individuals affected with TCOF1-related conditions. ClinVar contains an entry for this variant (Variation ID: 1357739). Variants that disrupt the consensus splice site are a relatively common cause of aberrant splicing (PMID: 17576681, 9536098). Algorithms developed to predict the effect of sequence changes on RNA splicing suggest that this variant is not likely to affect RNA splicing. In summary, the available evidence is currently insufficient to determine the role of this variant in disease. Therefore, it has been classified as a Variant of Uncertain Significance.

GeneDx
Classification: Uncertain significance. Last evaluated: 2023-11-14. Review status: criteria provided, single submitter. Criteria: GeneDx Variant Classification Process June 2021. Collection method: clinical testing. Allele origin: germline. Affected: yes.
Comment: In silico analysis supports that this variant does not alter splicing; Has not been previously published as pathogenic or benign to our knowledge

Literature cited by the submitters: PubMed 17576681 (cited by Labcorp Genetics (formerly Invitae), Labcorp); PubMed 9536098 (cited by Labcorp Genetics (formerly Invitae), Labcorp).

NM_001371623.1(TCOF1):c.378+3G>A

Gene: TCOF1 (treacle ribosome biogenesis factor 1; plus strand). Cytogenetic location: 5q32.
Variant type: single nucleotide variant.
Coding change: c.378+3G>A on transcript NM_001371623.1 (MANE Select); 3 bases into the intron after coding-DNA position 378, G replaced by A.
Molecular consequence: intron variant.
Genome position (GRCh38, 1-based): chr5:150,367,920, G>A. VCF-style: chr5-150367920-G-A. GRCh37 (hg19) VCF-style: chr5-149747483-G-A.
Other names: c.378+3G>A (NM_001135243.2, NM_001135244.2, NM_001195141.2 and 3 more transcripts).
Identifiers: ClinVar variation 1357739 (VCV001357739.7), dbSNP rs779373224, ClinGen allele CA3510536.